The following is an entry in ClinVar:

ClinVar aggregate classification (germline): Uncertain significance (1 of 4 stars; one submission).

Conditions:
Progressive myoclonic epilepsy. Also called: Familial progressive myoclonic epilepsy; Myoclonic Epilepsies, Progressive; Myoclonus epilepsy; Progressive myoclonus epilepsy. Identifiers: Orphanet 308, Orphanet 98261, MedGen C0751778, MONDO:0020074.

Allele frequency attached by ClinVar (database versions not stated): TOPMed below 0.00001.

Submission:

Labcorp Genetics (formerly Invitae), Labcorp
Classification: Uncertain significance for Progressive myoclonic epilepsy. Last evaluated: 2022-01-15. Review status: criteria provided, single submitter. Criteria: Invitae Variant Classification Sherloc (09022015). Collection method: clinical testing. Allele origin: germline.
Comment: In summary, the available evidence is currently insufficient to determine the role of this variant in disease. Therefore, it has been classified as a Variant of Uncertain Significance. Algorithms developed to predict the effect of missense changes on protein structure and function (SIFT, PolyPhen-2, Align-GVGD) all suggest that this variant is likely to be disruptive. This variant has not been reported in the literature in individuals affected with EPM2A-related conditions. This variant is not present in population databases (gnomAD no frequency). This sequence change replaces tyrosine, which is neutral and polar, with cysteine, which is neutral and slightly polar, at codon 304 of the EPM2A protein (p.Tyr304Cys).

NM_005670.4(EPM2A):c.911A>G (p.Tyr304Cys)

Gene: EPM2A (EPM2A glucan phosphatase, laforin; minus strand). Cytogenetic location: 6q24.3.
Variant type: single nucleotide variant.
Coding change: c.911A>G on transcript NM_005670.4 (MANE Select); coding-DNA position 911, A replaced by G.
Protein change: p.Tyr304Cys; replaces tyrosine 304 with cysteine.
Molecular consequence: missense variant. On other transcripts: synonymous variant (1), non-coding transcript variant (1).
Genome position (GRCh38, 1-based): chr6:145,627,501, T>C on the plus strand (A>G on the coding strand, the complement: EPM2A is on the minus strand). VCF-style: chr6-145627501-T-C. GRCh37 (hg19) VCF-style: chr6-145948637-T-C.
Other names: c.911A>G, p.Tyr304Cys (NM_001018041.2); c.669A>G, p.Leu223= (NM_001360057.2); c.497A>G, p.Tyr166Cys (NM_001360064.2, NM_001360071.2, NM_001368131.1); c.449A>G, p.Tyr150Cys (NM_001368129.2, NM_001368132.1); short protein forms Y150C, Y304C, Y166C.
Identifiers: ClinVar variation 1966885 (VCV001966885.5), dbSNP rs1775900418, ClinGen allele CA366189870.
Genomic context (GRCh38, chr6:145,627,501, plus strand): 5'-ACCTTCCCAAATTTCTGGAAAAAATCTTCTTGTGCCCGGGCCAAGGCCTCTTCGTCAATG[T>C]AGACAGCCGGCCTCTTGGCCATGAGGAAATACTGCACCTTCCTCAGATTCCAGCCCATCA-3'
Protein context (NP_005661.1, residues 294-314): YFLMAKRPAV[Tyr304Cys]IDEEALARAQ